The following is an entry in ClinVar:

ClinVar aggregate classification (germline): Uncertain significance. Review status: criteria provided, multiple submitters, no conflicts (2 of 4 stars). 2 submissions from 2 submitters: Uncertain significance (2). Last evaluated 2025-06-18.

Conditions:
Inborn genetic diseases. Identifiers: MedGen C0950123, MeSH D030342.

Allele frequency attached by ClinVar (database versions not stated): gnomAD exomes below 0.00001 and 0.00001; ExAC 0.00001.
gnomAD v4.1: 2 of 1,609,604 alleles (0.00012%); highest among the groups gnomAD compares: Admixed American, 0.0017%; no homozygotes.

Submissions (2):

Ambry Genetics
Classification: Uncertain significance for Inborn genetic diseases. Last evaluated: 2025-06-18. Review status: criteria provided, single submitter. Criteria: Ambry Variant Classification Scheme 2023. Collection method: clinical testing. Allele origin: germline.

Labcorp Genetics (formerly Invitae), Labcorp
Classification: Uncertain significance. Last evaluated: 2023-12-18. Review status: criteria provided, single submitter. Criteria: Invitae Variant Classification Sherloc (09022015). Collection method: clinical testing. Allele origin: germline.
Comment: This sequence change replaces isoleucine, which is neutral and non-polar, with threonine, which is neutral and polar, at codon 424 of the RTTN protein (p.Ile424Thr). This variant is present in population databases (rs773064590, gnomAD 0.003%). This variant has not been reported in the literature in individuals affected with RTTN-related conditions. ClinVar contains an entry for this variant (Variation ID: 1383230). Advanced modeling of protein sequence and biophysical properties (such as structural, functional, and spatial information, amino acid conservation, physicochemical variation, residue mobility, and thermodynamic stability) performed at Invitae indicates that this missense variant is not expected to disrupt RTTN protein function with a negative predictive value of 80%. In summary, the available evidence is currently insufficient to determine the role of this variant in disease. Therefore, it has been classified as a Variant of Uncertain Significance.

NM_173630.4(RTTN):c.1271T>C (p.Ile424Thr)

Gene: RTTN (rotatin; minus strand). Cytogenetic location: 18q22.2.
Variant type: single nucleotide variant.
Coding change: c.1271T>C on transcript NM_173630.4 (MANE Select); coding-DNA position 1271, T replaced by C.
Protein change: p.Ile424Thr; replaces isoleucine 424 with threonine.
Molecular consequence: missense variant. On other transcripts: 5 prime UTR variant (1).
Genome position (GRCh38, 1-based): chr18:70,188,142, A>G on the plus strand (T>C on the coding strand, the complement: RTTN is on the minus strand). VCF-style: chr18-70188142-A-G. GRCh37 (hg19) VCF-style: chr18-67855378-A-G.
Other names: c.1271T>C (NM_173630.3); c.-1283T>C (NM_001318520.2); short protein forms I424T.
Identifiers: ClinVar variation 1383230 (VCV001383230.7), dbSNP rs773064590, ClinGen allele CA8996231.